The following is an entry in ClinVar:

ClinVar aggregate classification (germline): Uncertain significance. Review status: criteria provided, multiple submitters, no conflicts (2 of 4 stars). 2 submissions from 2 submitters: Uncertain significance (2). Last evaluated 2025-07-21.

Allele frequency attached by ClinVar (database versions not stated): gnomAD exomes below 0.00001 and 0.00005; gnomAD 0.00001; TOPMed 0.00002.
gnomAD v4.1: 69 of 1,613,894 alleles (0.0043%); highest among the groups gnomAD compares: Non-Finnish European, 0.0057%; no homozygotes.

Submissions (2):

Labcorp Genetics (formerly Invitae), Labcorp
Classification: Uncertain significance. Last evaluated: 2025-07-21. Review status: criteria provided, single submitter. Criteria: Invitae Variant Classification Sherloc (09022015). Collection method: clinical testing. Allele origin: germline.
Comment: This sequence change replaces asparagine, which is neutral and polar, with serine, which is neutral and polar, at codon 155 of the MFAP5 protein (p.Asn155Ser). This variant is present in population databases (no rsID available, gnomAD 0.007%). This variant has not been reported in the literature in individuals affected with MFAP5-related conditions. ClinVar contains an entry for this variant (Variation ID: 1522814). An algorithm developed to predict the effect of missense changes on protein structure and function outputs the following: PolyPhen-2: "Benign". The serine amino acid residue is found in multiple mammalian species, which suggests that this missense change does not adversely affect protein function. In summary, the available evidence is currently insufficient to determine the role of this variant in disease. Therefore, it has been classified as a Variant of Uncertain Significance.

Blueprint Genetics
Classification: Uncertain significance. Last evaluated: 2023-09-28. Review status: criteria provided, single submitter. Criteria: ACMG Guidelines, 2015. Collection method: clinical testing. Allele origin: germline.

NM_003480.4(MFAP5):c.464A>G (p.Asn155Ser)

Genes: MFAP5 (microfibril associated protein 5; minus strand), LOC126861443 (BRD4-independent group 4 enhancer GRCh37_chr12:8800473-8801672; plus strand). Cytogenetic location: 12p13.31.
Variant type: single nucleotide variant.
Coding change: c.464A>G on transcript NM_003480.4 (MANE Select); coding-DNA position 464, A replaced by G.
Protein change: p.Asn155Ser; replaces asparagine 155 with serine.
Molecular consequence: missense variant. On other transcripts: non-coding transcript variant (2).
Genome position (GRCh38, 1-based): chr12:8,648,149, T>C on the plus strand (A>G on the coding strand, the complement: MFAP5 is on the minus strand). VCF-style: chr12-8648149-T-C. GRCh37 (hg19) VCF-style: chr12-8800745-T-C.
Other names: c.434A>G, p.Asn145Ser (NM_001297709.2); c.398A>G, p.Asn133Ser (NM_001297710.2); c.389A>G, p.Asn130Ser (NM_001297711.2); c.272A>G, p.Asn91Ser (NM_001297712.2); short protein forms N130S, N155S, N91S, N133S, N145S.
Identifiers: ClinVar variation 1522814 (VCV001522814.8), dbSNP rs1052807907, ClinGen allele CA232305692.